The following is an entry in ClinVar:

ClinVar aggregate classification (germline): Uncertain significance. Review status: criteria provided, single submitter (1 of 4 stars). 2 submissions from 2 submitters: Uncertain significance (1). 1 of the submissions does not count toward it. Last evaluated 2025-01-23.

Conditions:
BACH2-related disorder. Also called: BACH2-related condition.

Allele frequency attached by ClinVar (database versions not stated): TOPMed 0.00001; gnomAD exomes 0.00002 and 0.00001; ESP Exome Variant Server 0.00008; ExAC 0.00001; gnomAD 0.00001.
gnomAD v4.1: 19 of 1,614,036 alleles (0.0012%); highest among the groups gnomAD compares: East Asian, 0.0022%; no homozygotes.

Submissions (2):

Labcorp Genetics (formerly Invitae), Labcorp
Classification: Uncertain significance. Last evaluated: 2025-01-23. Review status: criteria provided, single submitter. Criteria: Invitae Variant Classification Sherloc (09022015). Collection method: clinical testing. Allele origin: germline.
Comment: This sequence change replaces arginine, which is basic and polar, with glutamine, which is neutral and polar, at codon 728 of the BACH2 protein (p.Arg728Gln). This variant is present in population databases (rs374812157, gnomAD 0.004%). This variant has not been reported in the literature in individuals affected with BACH2-related conditions. ClinVar contains an entry for this variant (Variation ID: 1398282). Invitae Evidence Modeling of protein sequence and biophysical properties (such as structural, functional, and spatial information, amino acid conservation, physicochemical variation, residue mobility, and thermodynamic stability) indicates that this missense variant is not expected to disrupt BACH2 protein function with a negative predictive value of 80%. In summary, the available evidence is currently insufficient to determine the role of this variant in disease. Therefore, it has been classified as a Variant of Uncertain Significance.

PreventionGenetics, part of Exact Sciences
Classification: Uncertain significance for BACH2-related condition. Last evaluated: 2024-02-12. Review status: no assertion criteria provided. Collection method: clinical testing. Allele origin: germline. Not counted in ClinVar's aggregate classification.
Comment: The BACH2 c.2183G>A variant is predicted to result in the amino acid substitution p.Arg728Gln. To our knowledge, this variant has not been reported in the literature. This variant is reported in 0.0040% of alleles in individuals of African descent in gnomAD. At this time, the clinical significance of this variant is uncertain due to the absence of conclusive functional and genetic evidence.

NM_021813.4(BACH2):c.2183G>A (p.Arg728Gln)

Gene: BACH2 (BACH transcriptional regulator 2; minus strand). Cytogenetic location: 6q15.
Variant type: single nucleotide variant.
Coding change: c.2183G>A on transcript NM_021813.4 (MANE Select); coding-DNA position 2183, G replaced by A.
Protein change: p.Arg728Gln; replaces arginine 728 with glutamine.
Molecular consequence: missense variant.
Genome position (GRCh38, 1-based): chr6:89,932,751, C>T on the plus strand (G>A on the coding strand, the complement: BACH2 is on the minus strand). VCF-style: chr6-89932751-C-T. GRCh37 (hg19) VCF-style: chr6-90642470-C-T.
Other names: c.2183G>A, p.Arg728Gln (NM_001170794.2); c.2183G>A (NM_021813.3); short protein forms R728Q.
Identifiers: ClinVar variation 1398282 (VCV001398282.8), dbSNP rs374812157, ClinGen allele CA3927848.